The following is an entry in ClinVar:

ClinVar aggregate classification (germline): Uncertain significance (1 of 4 stars; one submission).

Conditions:
Neurofibromatosis, type 1 (NF1). Also called: VON RECKLINGHAUSEN DISEASE; Peripheral type neurofibromatosis; NEUROFIBROMATOSIS, TYPE I, SOMATIC; Neurofibromatosis, type I. Identifiers: Orphanet 636, MedGen C0027831, MONDO:0018975, OMIM 162200. Disease mechanism: loss of function.

Submission:

Labcorp Genetics (formerly Invitae), Labcorp
Classification: Uncertain significance for Neurofibromatosis, type 1. Last evaluated: 2024-06-15. Review status: criteria provided, single submitter. Criteria: Invitae Variant Classification Sherloc (09022015). Collection method: clinical testing. Allele origin: germline.
Comment: This sequence change replaces aspartic acid, which is acidic and polar, with histidine, which is basic and polar, at codon 1158 of the NF1 protein (p.Asp1158His). This variant is not present in population databases (gnomAD no frequency). This variant has not been reported in the literature in individuals affected with NF1-related conditions. Advanced modeling of protein sequence and biophysical properties (such as structural, functional, and spatial information, amino acid conservation, physicochemical variation, residue mobility, and thermodynamic stability) performed at Invitae indicates that this missense variant is expected to disrupt NF1 protein function with a positive predictive value of 95%. In summary, the available evidence is currently insufficient to determine the role of this variant in disease. Therefore, it has been classified as a Variant of Uncertain Significance.

NM_001042492.3(NF1):c.3472G>C (p.Asp1158His)

Gene: NF1 (neurofibromin 1; plus strand). Cytogenetic location: 17q11.2.
Variant type: single nucleotide variant.
Coding change: c.3472G>C on transcript NM_001042492.3 (MANE Select); coding-DNA position 3472, G replaced by C.
Protein change: p.Asp1158His; replaces aspartic acid 1158 with histidine.
Molecular consequence: missense variant.
Genome position (GRCh38, 1-based): chr17:31,232,857, G>C. VCF-style: chr17-31232857-G-C. GRCh37 (hg19) VCF-style: chr17-29559875-G-C.
Other names: c.3472G>C, p.Asp1158His (NM_000267.4); short protein forms D1158H.
Identifiers: ClinVar variation 3634534 (VCV003634534.2).
Genomic context (GRCh38, chr17:31,232,857, plus strand): 5'-CTGGCATCACTGAGGCACTGTACGGTCCTTGCAATGTCAAACTTACTCAATGCCAACGTA[G>C]ACAGTGGTCTCATGCACTCCATAGGTGAGATCAAATGAAAGTTTCATATAGAAATACAAA-3'
Protein context (NP_001035957.1, residues 1148-1168): AMSNLLNANV[Asp1158His]SGLMHSIGLG